The following is an entry in ClinVar:

NM_000059.4(BRCA2):c.3451_3452del (p.Ile1151fs)

Gene: BRCA2 (BRCA2 DNA repair associated; plus strand). Cytogenetic location: 13q13.1.
Variant type: Deletion.
Coding change: c.3451_3452del on transcript NM_000059.4 (MANE Select); coding-DNA positions 3451 to 3452, 2 bases deleted (AT; older notation c.3451_3452delAT).
Protein change: p.Ile1151fs; shifts the reading frame from isoleucine 1151.
Molecular consequence: frameshift variant.
Genome position (GRCh38, 1-based): chr13:32,337,806-32,337,807, AT deleted; deleting any 2 consecutive bases within chr13:32,337,805-32,337,807 gives the same sequence; the c. name uses the placement nearest the transcript's 3' end. VCF-style (leftmost placement, unchanged base first): chr13-32337804-CTA-C. GRCh37 (hg19) VCF-style: chr13-32911941-CTA-C.
Other names: 3679_3680delAT; c.3451_3452delAT (NM_000059.3).
Identifiers: ClinVar variation 266751 (VCV000266751.15), dbSNP rs886040475, ClinGen allele CA10589203.

ClinVar aggregate classification (germline): Pathogenic. Review status: reviewed by expert panel (3 of 4 stars). 5 submissions from 5 submitters: Pathogenic (1). 4 of the submissions do not count toward it. Last evaluated 2016-10-18.

Conditions:
Familial cancer of breast. Also called: Hereditary breast cancer; BREAST CANCER, FAMILIAL; hereditary breast carcinoma. Identifiers: Orphanet 227535, MedGen C0346153, MONDO:0016419, OMIM 114480. Disease mechanism: loss of function.
Hereditary cancer-predisposing syndrome. Also called: Tumor predisposition; Neoplastic Syndromes, Hereditary; Hereditary neoplastic syndrome; Hereditary Cancer Syndrome. Identifiers: Orphanet 140162, MedGen C0027672, MeSH D009386, MONDO:0015356.
Hereditary breast ovarian cancer syndrome. Also called: Hereditary breast and ovarian cancer; Hereditary breast and ovarian cancer syndrome (HBOC); Hereditary breast and/or ovarian cancer syndrome; Breast and ovarian cancer; Hereditary breast and ovarian cancer syndrome; BRCA1- and BRCA2-Associated Hereditary Breast and Ovarian Cancer. Identifiers: Orphanet 145, MedGen C0677776, MeSH D061325, MONDO:0003582. Disease mechanism: loss of function.
Breast-ovarian cancer, familial, susceptibility to, 2 (BROVCA2). Also called: BRCA2 Hereditary Breast and Ovarian Cancer. Identifiers: Orphanet 145, MedGen C2675520, MONDO:0012933, OMIM 612555. Disease mechanism: loss of function.

Submissions (5):

Evidence-based Network for the Interpretation of Germline Mutant Alleles (ENIGMA)
Classification: Pathogenic for Breast-ovarian cancer, familial, susceptibility to, 2. Last evaluated: 2016-10-18. Review status: reviewed by expert panel. Criteria: ENIGMA BRCA1/2 Classification Criteria (2015). Collection method: curation. Allele origin: germline.
Comment: Variant allele predicted to encode a truncated non-functional protein.

Ambry Genetics
Classification: Pathogenic for Hereditary cancer-predisposing syndrome. Last evaluated: 2025-03-11. Review status: criteria provided, single submitter. Criteria: Ambry Variant Classification Scheme 2023. Collection method: clinical testing. Allele origin: germline. Not counted in ClinVar's aggregate classification.
Comment: The c.3451_3452delAT pathogenic mutation, located in coding exon 10 of the BRCA2 gene, results from a deletion of two nucleotides at nucleotide positions 3451 to 3452, causing a translational frameshift with a predicted alternate stop codon (p.I1151Lfs*6). This alteration was identified in a large, worldwide study of BRCA1/2 mutation positive families (Rebbeck TR et al. Hum Mutat, 2018 May;39:593-620). This variant was reported in 0/60,466 breast cancer cases and in 1/53,461 controls (Dorling et al. N Engl J Med 2021 02;384:428-439). This variant is considered to be rare based on population cohorts in the Genome Aggregation Database (gnomAD). In addition to the clinical data presented in the literature, this alteration is expected to result in loss of function by premature protein truncation or nonsense-mediated mRNA decay. As such, this alteration is interpreted as a disease-causing mutation.

Baylor Genetics
Classification: Pathogenic for Familial cancer of breast. Last evaluated: 2022-06-09. Review status: criteria provided, single submitter. Criteria: ACMG Guidelines, 2015. Collection method: clinical testing. Allele origin: unknown. Not counted in ClinVar's aggregate classification.

Labcorp Genetics (formerly Invitae), Labcorp
Classification: Pathogenic for Hereditary breast ovarian cancer syndrome. Last evaluated: 2018-12-13. Review status: criteria provided, single submitter. Criteria: Invitae Variant Classification Sherloc (09022015). Collection method: clinical testing. Allele origin: germline. Not counted in ClinVar's aggregate classification.
Comment: For these reasons, this variant has been classified as Pathogenic. Loss-of-function variants in BRCA2 are known to be pathogenic (PMID: 20104584). This variant has been reported in individuals in the Leiden Open-source Variation Database (PMID: 21520333). ClinVar contains an entry for this variant (Variation ID: 266751). This variant is not present in population databases (ExAC no frequency). This sequence change creates a premature translational stop signal (p.Ile1151Leufs*6) in the BRCA2 gene. It is expected to result in an absent or disrupted protein product.

Consortium of Investigators of Modifiers of BRCA1/2 (CIMBA), c/o University of Cambridge
Classification: Pathogenic for Breast-ovarian cancer, familial, susceptibility to, 2. Last evaluated: 2015-10-02. Review status: criteria provided, single submitter. Criteria: CIMBA Mutation Classification guidelines May 2016. Collection method: clinical testing. Allele origin: germline. Not counted in ClinVar's aggregate classification.

Literature cited by the submitters: PubMed 29446198 (cited by Ambry Genetics); PubMed 33471991 (cited by Ambry Genetics); PubMed 20104584 (cited by Labcorp Genetics (formerly Invitae), Labcorp); PubMed 21520333 (cited by Labcorp Genetics (formerly Invitae), Labcorp).